The following is an entry in ClinVar:

ClinVar aggregate classification (germline): Uncertain significance (1 of 4 stars; one submission).

Conditions:
Noonan syndrome 9 (NS9). Identifiers: Orphanet 648, MedGen C4225282, MONDO:0014691, OMIM 616559.

Allele frequency attached by ClinVar (database versions not stated): gnomAD 0.00001.
gnomAD v4.1: 1 of 1,574,422 alleles (0.000064%); highest among the groups gnomAD compares: Non-Finnish European, 0.000087%; no homozygotes.

Submission:

Labcorp Genetics (formerly Invitae), Labcorp
Classification: Uncertain significance for Noonan syndrome 9. Last evaluated: 2022-10-12. Review status: criteria provided, single submitter. Criteria: Invitae Variant Classification Sherloc (09022015). Collection method: clinical testing. Allele origin: germline.
Comment: In summary, the available evidence is currently insufficient to determine the role of this variant in disease. Therefore, it has been classified as a Variant of Uncertain Significance. Advanced modeling of protein sequence and biophysical properties (such as structural, functional, and spatial information, amino acid conservation, physicochemical variation, residue mobility, and thermodynamic stability) has been performed at Invitae for this missense variant, however the output from this modeling did not meet the statistical confidence thresholds required to predict the impact of this variant on SOS2 protein function. This variant has not been reported in the literature in individuals affected with SOS2-related conditions. The frequency data for this variant in the population databases is considered unreliable, as metrics indicate poor data quality at this position in the gnomAD database. This sequence change replaces cysteine, which is neutral and slightly polar, with arginine, which is basic and polar, at codon 1019 of the SOS2 protein (p.Cys1019Arg).

NM_006939.4(SOS2):c.3055T>C (p.Cys1019Arg)

Gene: SOS2 (SOS Ras/Rho guanine nucleotide exchange factor 2; minus strand). Cytogenetic location: 14q21.3.
Variant type: single nucleotide variant.
Coding change: c.3055T>C on transcript NM_006939.4 (MANE Select); coding-DNA position 3055, T replaced by C.
Protein change: p.Cys1019Arg; replaces cysteine 1019 with arginine.
Molecular consequence: missense variant.
Genome position (GRCh38, 1-based): chr14:50,134,143, A>G on the plus strand (T>C on the coding strand, the complement: SOS2 is on the minus strand). VCF-style: chr14-50134143-A-G. GRCh37 (hg19) VCF-style: chr14-50600861-A-G.
Other names: c.2956T>C, p.Cys986Arg (NM_001411020.1); short protein forms C1019R, C986R.
Identifiers: ClinVar variation 2046306 (VCV002046306.4), dbSNP rs1311191927, ClinGen allele CA389641561.
Genomic context (GRCh38, chr14:50,134,143, plus strand): 5'-AAAAACAGAACACTTGTTCCCGAAATTATAAAAGACTTACAAATCGAGGTGGCTGTTTGC[A>G]GTTTCGAGGTTCAATTTCTAGTGACTTGTTGAACAAATAATCTGTAAACTCTTTTTCAGA-3'
Protein context (NP_008870.2, residues 1009-1029): NKSLEIEPRN[Cys1019Arg]KQPPRFPRKS